The following is an entry in ClinVar:

NM_153704.6(TMEM67):c.525A>G (p.Pro175=)

Gene: TMEM67 (transmembrane protein 67; plus strand). Cytogenetic location: 8q22.1.
Variant type: single nucleotide variant.
Coding change: c.525A>G on transcript NM_153704.6 (MANE Select); coding-DNA position 525, A replaced by G.
Protein change: p.Pro175=; no amino-acid change (proline 175 retained).
Molecular consequence: synonymous variant. On other transcripts: non-coding transcript variant (1).
Genome position (GRCh38, 1-based): chr8:93,765,424, A>G. VCF-style: chr8-93765424-A-G. GRCh37 (hg19) VCF-style: chr8-94777652-A-G.
Other names: c.282A>G, p.Pro94= (NM_001142301.1).
Identifiers: ClinVar variation 4986389 (VCV004986389.1).

ClinVar aggregate classification (germline): Likely benign (1 of 4 stars; one submission).

Conditions:
TMEM67-related disorder. Also called: TMEM67-related condition; TMEM67-related disorders. Identifiers: MedGen CN239423.

gnomAD v4.1: 1 of 1,611,870 alleles (0.000062%); no homozygotes.

Submission:

PreventionGenetics, part of Exact Sciences
Classification: Likely benign for TMEM67-related condition. Last evaluated: 2024-12-05. Review status: criteria provided, single submitter. Criteria: ACMG Guidelines, 2015. Collection method: clinical testing. Allele origin: germline.
Comment: This variant is classified as likely benign based on ACMG/AMP sequence variant interpretation guidelines (Richards et al. 2015 PMID: 25741868, with internal and published modifications).